The following is an entry in ClinVar:

NM_001371986.1(UNC80):c.7806-17AT[5]

Gene: UNC80 (unc-80 subunit of NALCN channel complex; plus strand). Cytogenetic location: 2q34.
Variant type: Microsatellite.
Coding change: c.7806-17AT[5] on transcript NM_001371986.1 (MANE Select); five copies in a row of the 2-base unit AT starting at c.7806-17; the reference has six copies in a row; one copy, 2 bases deleted.
Molecular consequence: intron variant.
Genome position (GRCh38, 1-based): chr2:209,967,430-209,967,431, AT deleted; deleting any 2 consecutive bases within chr2:209,967,420-209,967,431 gives the same sequence; the position shown is the placement nearest the transcript's 3' end. VCF-style (leftmost placement, unchanged base first): chr2-209967419-CAT-C. GRCh37 (hg19) VCF-style: chr2-210832143-CAT-C.
Other names: c.7608-17AT[5] (NM_032504.2); c.7593-17AT[5] (NM_182587.4); c.7608-7_7608-6delAT (NM_032504.1).
Identifiers: ClinVar variation 1900316 (VCV001900316.7), dbSNP rs752949976, ClinGen allele CA2083501.

ClinVar aggregate classification (germline): Likely benign. Review status: criteria provided, single submitter (1 of 4 stars). 2 submissions from 2 submitters: Likely benign (1). 1 of the submissions does not count toward it. Last evaluated 2025-09-10.

Conditions:
UNC80-related disorder. Also called: UNC80-related condition.

Submissions (2):

Labcorp Genetics (formerly Invitae), Labcorp
Classification: Likely benign. Last evaluated: 2025-09-10. Review status: criteria provided, single submitter. Criteria: Invitae Variant Classification Sherloc (09022015). Collection method: clinical testing. Allele origin: germline.

PreventionGenetics, part of Exact Sciences
Classification: Likely benign for UNC80-related condition. Last evaluated: 2019-09-17. Review status: no assertion criteria provided. Collection method: clinical testing. Allele origin: germline. Not counted in ClinVar's aggregate classification.
Comment: This variant is classified as likely benign based on ACMG/AMP sequence variant interpretation guidelines (Richards et al. 2015 PMID: 25741868, with internal and published modifications).